The following is an entry in ClinVar:

ClinVar aggregate classification (germline): Uncertain significance (1 of 4 stars; one submission).

Allele frequency attached by ClinVar (database versions not stated): gnomAD exomes below 0.00001.

Submission:

Ambry Genetics
Classification: Uncertain significance. Last evaluated: 2022-05-09. Review status: criteria provided, single submitter. Criteria: Ambry Variant Classification Scheme 2023. Collection method: clinical testing. Allele origin: germline.
Comment: The p.P248L variant (also known as c.743C>T), located in coding exon 1 of the EGLN2 gene, results from a C to T substitution at nucleotide position 743. The proline at codon 248 is replaced by leucine, an amino acid with similar properties. This amino acid position is conserved. In addition, the in silico prediction for this alteration is inconclusive. Since supporting evidence is limited at this time, the clinical significance of this alteration remains unclear.

NM_080732.4(EGLN2):c.743C>T (p.Pro248Leu)

Genes: EGLN2 (egl-9 family hypoxia inducible factor 2; plus strand), RAB4B-EGLN2 (RAB4B-EGLN2 readthrough (NMD candidate); plus strand). Cytogenetic location: 19q13.2.
Variant type: single nucleotide variant.
Coding change: c.743C>T on transcript NM_080732.4 (MANE Select); coding-DNA position 743, C replaced by T.
Protein change: p.Pro248Leu; replaces proline 248 with leucine.
Molecular consequence: missense variant. On other transcripts: non-coding transcript variant (1).
Genome position (GRCh38, 1-based): chr19:40,801,315, C>T. VCF-style: chr19-40801315-C-T. GRCh37 (hg19) VCF-style: chr19-41307220-C-T.
Other names: c.743C>T, p.Pro248Leu (NM_053046.4); short protein forms P248L.
Identifiers: ClinVar variation 1758919 (VCV001758919.2), dbSNP rs2515995457, ClinGen allele CA405955892.